The following is an entry in ClinVar:

NM_001330260.2(SCN8A):c.3136G>T (p.Ala1046Ser)

Gene: SCN8A (sodium voltage-gated channel alpha subunit 8; plus strand). Cytogenetic location: 12q13.13.
Variant type: single nucleotide variant.
Coding change: c.3136G>T on transcript NM_001330260.2 (MANE Select); coding-DNA position 3136, G replaced by T.
Protein change: p.Ala1046Ser; replaces alanine 1046 with serine.
Molecular consequence: missense variant.
Genome position (GRCh38, 1-based): chr12:51,769,099, G>T. VCF-style: chr12-51769099-G-T. GRCh37 (hg19) VCF-style: chr12-52162883-G-T.
Other names: c.3136G>T, p.Ala1046Ser (NM_001177984.3, NM_001369788.1, NM_014191.4); short protein forms A1046S.
Identifiers: ClinVar variation 3901355 (VCV003901355.1).

ClinVar aggregate classification (germline): Uncertain significance (1 of 4 stars; one submission).

Submission:

GeneDx
Classification: Uncertain significance. Last evaluated: 2024-12-07. Review status: criteria provided, single submitter. Criteria: GeneDx Variant Classification Process June 2021. Collection method: clinical testing. Allele origin: germline. Affected: yes.
Comment: Not observed at significant frequency in large population cohorts (gnomAD); In silico analysis indicates that this missense variant does not alter protein structure/function; Has not been previously published as pathogenic or benign to our knowledge; This substitution is predicted to be within the cytoplasmic loop between the second and third homologous domains